The following is an entry in ClinVar:

NM_031157.4(HNRNPA1):c.1006A>G (p.Arg336Gly)

Gene: HNRNPA1 (heterogeneous nuclear ribonucleoprotein A1; plus strand). Cytogenetic location: 12q13.13.
Variant type: single nucleotide variant.
Coding change: c.1006A>G on transcript NM_031157.4 (MANE Select); coding-DNA position 1006, A replaced by G.
Protein change: p.Arg336Gly; replaces arginine 336 with glycine.
Molecular consequence: missense variant. On other transcripts: non-coding transcript variant (1).
Genome position (GRCh38, 1-based): chr12:54,283,910, A>G. VCF-style: chr12-54283910-A-G. GRCh37 (hg19) VCF-style: chr12-54677694-A-G.
Other names: c.850A>G, p.Arg284Gly (NM_002136.4); short protein forms R336G, R284G.
Identifiers: ClinVar variation 135601 (VCV000135601.2), dbSNP rs483353032, ClinGen allele CA163062.
Genomic context (GRCh38, chr12:54,283,910, plus strand): 5'-GGGAATTACAACAATCAGTCTTCAAATTTTGGACCCATGAAGGGAGGAAATTTTGGAGGC[A>G]GAAGCTCTGGCCCCTATGGCGGTGGAGGCCAATACTTTGCAAAACCACGAAACCAAGGTA-3'
Protein context (NP_112420.1, residues 326-346): GPMKGGNFGG[Arg336Gly]SSGPYGGGGQ

ClinVar aggregate classification (germline): Likely pathogenic (0 of 4 stars; one submission).

Conditions:
Chronic progressive multiple sclerosis. Identifiers: MedGen C0393665, MONDO:0005284.

Submission:

Demyelinating Disease Laboratories, VA Medical Center and University of Tennessee
Classification: Likely pathogenic. Review status: no assertion criteria provided. Collection method: not provided. Allele origin: somatic.
ClinVar note: Converted during submission from probable-pathogenic to Likely pathogenic.